The following is an entry in ClinVar:

NM_005629.4(SLC6A8):c.561T>C (p.His187=)

Gene: SLC6A8 (solute carrier family 6 member 8; plus strand). Cytogenetic location: Xq28.
Variant type: single nucleotide variant.
Coding change: c.561T>C on transcript NM_005629.4 (MANE Select); coding-DNA position 561, T replaced by C.
Protein change: p.His187=; no amino-acid change (histidine 187 retained).
Molecular consequence: synonymous variant.
Genome position (GRCh38, 1-based): chrX:153,691,470, T>C. VCF-style: chrX-153691470-T-C. GRCh37 (hg19) VCF-style: chrX-152956925-T-C.
Other names: c.561T>C, p.His187= (NM_001142805.2); c.216T>C, p.His72= (NM_001142806.1).
Identifiers: ClinVar variation 4873769 (VCV004873769.2).

ClinVar aggregate classification (germline): Likely benign (1 of 4 stars; one submission).

Submission:

CeGaT Center for Human Genetics Tuebingen
Classification: Likely benign. Last evaluated: 2026-05-01. Review status: criteria provided, single submitter. Criteria: CeGaT Center For Human Genetics Tuebingen Variant Classification Criteria Version 2. Collection method: clinical testing. Allele origin: germline. Affected: yes. Observed: 1 variant allele.
Comment: SLC6A8: BP4, BP7